The following is an entry in ClinVar:

NM_001372.4(DNAH9):c.9633T>C (p.Ala3211=)

Gene: DNAH9 (dynein axonemal heavy chain 9; plus strand). Cytogenetic location: 17p12.
Variant type: single nucleotide variant.
Coding change: c.9633T>C on transcript NM_001372.4 (MANE Select); coding-DNA position 9633, T replaced by C.
Protein change: p.Ala3211=; no amino-acid change (alanine 3211 retained).
Molecular consequence: synonymous variant.
Genome position (GRCh38, 1-based): chr17:11,854,128, T>C. VCF-style: chr17-11854128-T-C. GRCh37 (hg19) VCF-style: chr17-11757445-T-C.
Other names: c.9633T>C (NM_001372.3).
Identifiers: ClinVar variation 1557846 (VCV001557846.9), dbSNP rs771877778, ClinGen allele CA8397275.

ClinVar aggregate classification (germline): Likely benign. Review status: criteria provided, single submitter (1 of 4 stars). 2 submissions from 2 submitters: Likely benign (1). 1 of the submissions does not count toward it. Last evaluated 2024-06-26.

Conditions:
DNAH9-related disorder. Also called: DNAH9-related condition.

Allele frequency attached by ClinVar (database versions not stated): ExAC 0.00001; gnomAD exomes 0.00002 and 0.00004; gnomAD 0.00003; TOPMed 0.00003.

Submissions (2):

Labcorp Genetics (formerly Invitae), Labcorp
Classification: Likely benign. Last evaluated: 2024-06-26. Review status: criteria provided, single submitter. Criteria: Invitae Variant Classification Sherloc (09022015). Collection method: clinical testing. Allele origin: germline.

PreventionGenetics, part of Exact Sciences
Classification: Likely benign for DNAH9-related condition. Last evaluated: 2019-06-12. Review status: no assertion criteria provided. Collection method: clinical testing. Allele origin: germline. Not counted in ClinVar's aggregate classification.
Comment: This variant is classified as likely benign based on ACMG/AMP sequence variant interpretation guidelines (Richards et al. 2015 PMID: 25741868, with internal and published modifications).